The following is an entry in ClinVar:

ClinVar aggregate classification (germline): Uncertain significance (1 of 4 stars; one submission).

Allele frequency attached by ClinVar (database versions not stated): ExAC 0.00002; gnomAD exomes 0.00002; TOPMed 0.00004; gnomAD 0.00006; ESP Exome Variant Server 0.00008.
gnomAD v4.1: 17 of 1,613,614 alleles (0.0011%); highest among the groups gnomAD compares: African/African-American, 0.02%; no homozygotes.

Submission:

Labcorp Genetics (formerly Invitae), Labcorp
Classification: Uncertain significance. Last evaluated: 2022-09-27. Review status: criteria provided, single submitter. Criteria: Invitae Variant Classification Sherloc (09022015). Collection method: clinical testing. Allele origin: germline.
Comment: This sequence change replaces alanine, which is neutral and non-polar, with threonine, which is neutral and polar, at codon 442 of the SLC26A5 protein (p.Ala442Thr). This variant is present in population databases (rs137932625, gnomAD 0.03%). This variant has not been reported in the literature in individuals affected with SLC26A5-related conditions. ClinVar contains an entry for this variant (Variation ID: 1398567). Advanced modeling of protein sequence and biophysical properties (such as structural, functional, and spatial information, amino acid conservation, physicochemical variation, residue mobility, and thermodynamic stability) performed at Invitae indicates that this missense variant is not expected to disrupt SLC26A5 protein function. In summary, the available evidence is currently insufficient to determine the role of this variant in disease. Therefore, it has been classified as a Variant of Uncertain Significance.

NM_198999.3(SLC26A5):c.1324G>A (p.Ala442Thr)

Gene: SLC26A5 (solute carrier family 26 member 5; minus strand). Cytogenetic location: 7q22.1.
Variant type: single nucleotide variant.
Coding change: c.1324G>A on transcript NM_198999.3 (MANE Select); coding-DNA position 1324, G replaced by A.
Protein change: p.Ala442Thr; replaces alanine 442 with threonine.
Molecular consequence: missense variant. On other transcripts: non-coding transcript variant (1), intron variant (3).
Genome position (GRCh38, 1-based): chr7:103,389,412, C>T on the plus strand (G>A on the coding strand, the complement: SLC26A5 is on the minus strand). VCF-style: chr7-103389412-C-T. GRCh37 (hg19) VCF-style: chr7-103029859-C-T.
Other names: c.1324G>A, p.Ala442Thr (NM_206883.3, NM_206884.3); c.971+8520G>A (NM_206885.3); c.1312-298G>A (NM_001321787.2, NM_001167962.2); short protein forms A442T.
Identifiers: ClinVar variation 1398567 (VCV001398567.6), dbSNP rs137932625, ClinGen allele CA4419533.